The following is an entry in ClinVar:

NM_002474.3(MYH11):c.5103G>T (p.Arg1701Ser)

Genes: NDE1 (nudE neurodevelopment protein 1; plus strand), MYH11 (myosin heavy chain 11; minus strand). Cytogenetic location: 16p13.11.
Variant type: single nucleotide variant.
Coding change: c.5103G>T on transcript NM_002474.3 (MANE Select); coding-DNA position 5103, G replaced by T.
Protein change: p.Arg1701Ser; replaces arginine 1701 with serine.
Molecular consequence: missense variant. On other transcripts: intron variant (2).
Genome position (GRCh38, 1-based): chr16:15,719,288, C>A on the plus strand (G>T on the coding strand, the complement: MYH11 is on the minus strand). VCF-style: chr16-15719288-C-A. GRCh37 (hg19) VCF-style: chr16-15813145-C-A.
Other names: c.5124G>T, p.Arg1708Ser (NM_001040113.2, NM_001040114.2); c.5103G>T, p.Arg1701Ser (NM_022844.3); c.948-4903C>A (NM_001143979.2, NM_017668.3); short protein forms R1701S, R1708S.
Identifiers: ClinVar variation 1318588 (VCV001318588.4), dbSNP rs777827294, ClinGen allele CA7921418.
Genomic context (GRCh38, chr16:15,719,288, plus strand): 5'-CAGGCTACTGGCCAGCTCCTCTGCCAGTTCCTCCTTCTCGAGGTCCGCTTGTTTGCGAGC[C>A]CTCTCAGCGGCGGCGAGGTCCTAGGTGGGAGGGAGGAAGGCTGTTGTCTGCCAGGGAAAG-3'
Protein context (NP_002465.1, residues 1691-1711): QLQEDLAAAE[Arg1701Ser]ARKQADLEKE

ClinVar aggregate classification (germline): Uncertain significance. Review status: criteria provided, multiple submitters, no conflicts (2 of 4 stars). 2 submissions from 2 submitters: Uncertain significance (2). Last evaluated 2022-11-06.

Conditions:
Familial thoracic aortic aneurysm and aortic dissection (TAAD). Also called: Thoracic aortic aneurysms and dissections. Identifiers: Orphanet 91387, MedGen C4707243, MONDO:0019625.

Allele frequency attached by ClinVar (database versions not stated): gnomAD exomes 0.00001; ExAC 0.00002; TOPMed 0.00002; gnomAD 0.00003 and 0.00004.
gnomAD v4.1: 10 of 1,612,296 alleles (0.00062%); highest among the groups gnomAD compares: Middle Eastern, 0.016%; no homozygotes.

Submissions (2):

Color Diagnostics, LLC DBA Color Health
Classification: Uncertain significance for Familial thoracic aortic aneurysm and aortic dissection. Last evaluated: 2022-11-06. Review status: criteria provided, single submitter. Criteria: ACMG Guidelines, 2015. Collection method: clinical testing. Allele origin: germline.
Comment: This missense variant replaces arginine with serine at codon 1708 of the MYH11 protein. Computational prediction is inconclusive regarding the impact of this variant on protein structure and function (internally defined REVEL score threshold 0.5 < inconclusive < 0.7, PMID: 27666373). To our knowledge, functional studies have not been reported for this variant. This variant has not been reported in individuals affected with MYH11-related disorders in the literature. This variant has been identified in 3/250274 chromosomes in the general population by the Genome Aggregation Database (gnomAD). The available evidence is insufficient to determine the role of this variant in disease conclusively. Therefore, this variant is classified as a Variant of Uncertain Significance.

GeneDx
Classification: Uncertain significance. Last evaluated: 2021-05-19. Review status: criteria provided, single submitter. Criteria: GeneDx Variant Classification Process June 2021. Collection method: clinical testing. Allele origin: germline. Affected: yes.
Comment: Has not been previously published as pathogenic or benign to our knowledge; Not observed at a significant frequency in large population cohorts (Lek et al., 2016); In silico analysis supports that this missense variant has a deleterious effect on protein structure/function